The following is an entry in ClinVar:

NM_030780.5(SLC25A32):c.154+2dup

Gene: SLC25A32 (solute carrier family 25 member 32; minus strand). Cytogenetic location: 8q22.3.
Variant type: Duplication.
Coding change: c.154+2dup on transcript NM_030780.5 (MANE Select); the canonical splice donor site of the intron after coding-DNA position 154, one base duplicated (T; older notation c.154+2dupT).
Molecular consequence: splice donor variant.
Genome position (GRCh38, 1-based): chr8:103,414,782, A duplicated on the plus strand (T on the coding strand, the reverse complement: SLC25A32 is on the minus strand). VCF-style (leftmost placement, unchanged base first): chr8-103414781-T-TA. GRCh37 (hg19) VCF-style: chr8-104427009-T-TA.
Identifiers: ClinVar variation 2808088 (VCV002808088.3), dbSNP rs774282121, ClinGen allele CA4835571.
Genomic context (GRCh38, chr8:103,414,781, plus strand): 5'-GGAGGAGATCCAGTTCGGGCTGACAGTGAGAGGATGCAGCCCGGTGTCTGGGCGGGCTCT[T>TA]ACCGGCGAAGCGGATCTTCACGAGGTCGAGCGGATGCAGCGCAAGGTTGGATAAGACGCC-3'

ClinVar aggregate classification (germline): Uncertain significance (1 of 4 stars; one submission).

Allele frequency attached by ClinVar (database versions not stated): gnomAD 0.00001; TOPMed 0.00001; ExAC 0.00001.

Submission:

Labcorp Genetics (formerly Invitae), Labcorp
Classification: Uncertain significance. Last evaluated: 2025-07-21. Review status: criteria provided, single submitter. Criteria: Invitae Variant Classification Sherloc (09022015). Collection method: clinical testing. Allele origin: germline.
Comment: This sequence change falls in intron 1 of the SLC25A32 gene. It does not directly change the encoded amino acid sequence of the SLC25A32 protein. It affects a nucleotide within the consensus splice site. This variant is present in population databases (rs774282121, gnomAD 0.007%). This variant has not been reported in the literature in individuals affected with SLC25A32-related conditions. ClinVar contains an entry for this variant (Variation ID: 2808088). Variants that disrupt the consensus splice site are a relatively common cause of aberrant splicing (PMID: 17576681, 9536098). Algorithms developed to predict the effect of sequence changes on RNA splicing suggest that this variant may disrupt the consensus splice site. In summary, the available evidence is currently insufficient to determine the role of this variant in disease. Therefore, it has been classified as a Variant of Uncertain Significance.

Literature cited by the submitters: PubMed 17576681; PubMed 9536098.